The following is an entry in ClinVar:

NM_017654.4(SAMD9):c.4366T>G (p.Tyr1456Asp)

Gene: SAMD9 (sterile alpha motif domain containing 9; minus strand). Cytogenetic location: 7q21.2.
Variant type: single nucleotide variant.
Coding change: c.4366T>G on transcript NM_017654.4 (MANE Select); coding-DNA position 4366, T replaced by G.
Protein change: p.Tyr1456Asp; replaces tyrosine 1456 with aspartic acid.
Molecular consequence: missense variant.
Genome position (GRCh38, 1-based): chr7:93,101,732, A>C on the plus strand (T>G on the coding strand, the complement: SAMD9 is on the minus strand). VCF-style: chr7-93101732-A-C. GRCh37 (hg19) VCF-style: chr7-92731045-A-C.
Other names: c.4366T>G, p.Tyr1456Asp (NM_001193307.2); short protein forms Y1456D.
Identifiers: ClinVar variation 3437016 (VCV003437016.4).
Genomic context (GRCh38, chr7:93,101,732, plus strand): 5'-GCTTTGTACGATGCATATGTTTATATTGCCCCTTGAAAGAATTTTTTAGTGCTTGAGCAT[A>C]CTCTTTCATTTGTTCAGAATGTTGATCTAGTTGTTGATTTTCTGGCCAGAATAAGAGGGA-3'
Protein context (NP_060124.2, residues 1446-1466): LDQHSEQMKE[Tyr1456Asp]AQALKNSFKG

ClinVar aggregate classification (germline): Uncertain significance. Review status: criteria provided, multiple submitters, no conflicts (2 of 4 stars). 3 submissions from 3 submitters: Uncertain significance (3). Last evaluated 2025-03-18.

Conditions:
Inborn genetic diseases. Identifiers: MedGen C0950123, MeSH D030342.

gnomAD v4.1: 2 of 1,613,500 alleles (0.00012%); highest among the groups gnomAD compares: East Asian, 0.0022%; no homozygotes.

Submissions (3):

Labcorp Genetics (formerly Invitae), Labcorp
Classification: Uncertain significance. Last evaluated: 2025-03-18. Review status: criteria provided, single submitter. Criteria: Invitae Variant Classification Sherloc (09022015). Collection method: clinical testing. Allele origin: germline.
Comment: This sequence change replaces tyrosine, which is neutral and polar, with aspartic acid, which is acidic and polar, at codon 1456 of the SAMD9 protein (p.Tyr1456Asp). This variant is not present in population databases (gnomAD no frequency). This variant has not been reported in the literature in individuals affected with SAMD9-related conditions. ClinVar contains an entry for this variant (Variation ID: 3437016). Invitae Evidence Modeling of protein sequence and biophysical properties (such as structural, functional, and spatial information, amino acid conservation, physicochemical variation, residue mobility, and thermodynamic stability) has been performed for this missense variant. However, the output from this modeling did not meet the statistical confidence thresholds required to predict the impact of this variant on SAMD9 protein function. In summary, the available evidence is currently insufficient to determine the role of this variant in disease. Therefore, it has been classified as a Variant of Uncertain Significance.

Ambry Genetics
Classification: Uncertain significance for Inborn genetic diseases. Last evaluated: 2024-11-22. Review status: criteria provided, single submitter. Criteria: Ambry Variant Classification Scheme 2023. Collection method: clinical testing. Allele origin: germline.
Comment: The p.Y1456D variant (also known as c.4366T>G), located in coding exon 1 of the SAMD9 gene, results from a T to G substitution at nucleotide position 4366. The tyrosine at codon 1456 is replaced by aspartic acid, an amino acid with highly dissimilar properties. This amino acid position is conserved. In addition, this alteration is predicted to be tolerated by in silico analysis. Based on the available evidence, the clinical significance of this variant remains unclear.

GeneDx
Classification: Uncertain significance. Last evaluated: 2024-09-15. Review status: criteria provided, single submitter. Criteria: GeneDx Variant Classification Process June 2021. Collection method: clinical testing. Allele origin: germline. Affected: yes.
Comment: Not observed at significant frequency in large population cohorts (gnomAD); In silico analysis supports that this missense variant has a deleterious effect on protein structure/function; Has not been previously published as pathogenic or benign to our knowledge